The following is an entry in ClinVar:

NR_199791.1(RNU2-2):n.40C>G

Genes: RNU2-2 (RNA, U2 small nuclear 2; minus strand), WDR74 (WD repeat domain 74; minus strand). Cytogenetic location: 11q12.3.
Variant type: single nucleotide variant.
Molecular consequence: non-coding transcript variant (on NR_199791.1). On other transcripts: 5 prime UTR variant (1).
Genome position: GRCh38 VCF-style: chr11-62841770-G-C. GRCh37 (hg19) VCF-style: chr11-62609242-G-C.
Other names: c.-499C>G (NM_001369451.1).
Identifiers: ClinVar variation 4540475 (VCV004540475.1).

ClinVar aggregate classification (germline): Pathogenic (1 of 4 stars; one submission).

Conditions:
RNU2-2 related disorder.

gnomAD v4.1: 2 of 152,224 alleles (0.0013%); highest among the groups gnomAD compares: African/African-American, 0.0048%; no homozygotes.

Submission:

Institute for Human Genetics, University Hospital Essen
Classification: Pathogenic for RNU2-2 related disorder. Last evaluated: 2025-11-27. Review status: criteria provided, single submitter. Criteria: Submitter's publication. Collection method: clinical testing. Allele origin: germline. Inheritance: Autosomal unknown. Affected: yes. Observed: 5 variant alleles, 1 heterozygote, 4 compound heterozygotes.
Comment: PS2_supp, PS4, PM1, PM2_supp, PM3, PP1_mod (criteria rationale detailed in Leitão et al. Nature Genetics 2026)